The following is an entry in ClinVar:

NM_000540.3(RYR1):c.2068G>A (p.Gly690Ser)

Gene: RYR1 (ryanodine receptor 1; plus strand). Cytogenetic location: 19q13.2.
Variant type: single nucleotide variant.
Coding change: c.2068G>A on transcript NM_000540.3 (MANE Select); coding-DNA position 2068, G replaced by A.
Protein change: p.Gly690Ser; replaces glycine 690 with serine.
Molecular consequence: missense variant.
Genome position (GRCh38, 1-based): chr19:38,458,193, G>A. VCF-style: chr19-38458193-G-A. GRCh37 (hg19) VCF-style: chr19-38948833-G-A.
Other names: c.2068G>A, p.Gly690Ser (NM_001042723.2); short protein forms G690S.
Identifiers: ClinVar variation 951060 (VCV000951060.9), dbSNP rs1225286685, ClinGen allele CA405696825.

ClinVar aggregate classification (germline): Uncertain significance. Review status: criteria provided, multiple submitters, no conflicts (2 of 4 stars). 2 submissions from 2 submitters: Uncertain significance (2). Last evaluated 2025-11-10.

Conditions:
Malignant hyperthermia, susceptibility to, 1 (MHS1). Also called: RYR1-Related Malignant Hyperthermia Susceptibility; Malignant hyperthermia suceptibility 1; Anesthesia related hyperthermia; Malignant hyperpyrexia; Fulminating hyperpyrexia; Pharmacogenic myopathy. Identifiers: Orphanet 423, MedGen C2930980, MONDO:0007783, OMIM 145600.
RYR1-related disorder. Also called: RYR1-related condition; RYR1-related disorders. Identifiers: MedGen CN239331.

Allele frequency attached by ClinVar (database versions not stated): gnomAD exomes below 0.00001 and 0.00001; gnomAD 0.00001; TOPMed 0.00001.
gnomAD v4.1: 11 of 1,610,424 alleles (0.00068%); highest among the groups gnomAD compares: African/African-American, 0.0068%; no homozygotes.

Submissions (2):

Labcorp Genetics (formerly Invitae), Labcorp
Classification: Uncertain significance for RYR1-related disorder. Last evaluated: 2025-11-10. Review status: criteria provided, single submitter. Criteria: Invitae Variant Classification Sherloc (09022015). Collection method: clinical testing. Allele origin: germline.
Comment: This sequence change replaces glycine, which is neutral and non-polar, with serine, which is neutral and polar, at codon 690 of the RYR1 protein (p.Gly690Ser). This variant is present in population databases (no rsID available, gnomAD 0.007%). This variant has not been reported in the literature in individuals affected with RYR1-related conditions. ClinVar contains an entry for this variant (Variation ID: 951060). Invitae Evidence Modeling of protein sequence and biophysical properties (such as structural, functional, and spatial information, amino acid conservation, physicochemical variation, residue mobility, and thermodynamic stability) has been performed for this missense variant. However, the output from this modeling did not meet the statistical confidence thresholds required to predict the impact of this variant on RYR1 protein function. In summary, the available evidence is currently insufficient to determine the role of this variant in disease. Therefore, it has been classified as a Variant of Uncertain Significance.

All of Us Research Program, National Institutes of Health
Classification: Uncertain significance for Malignant hyperthermia, susceptibility to, 1. Last evaluated: 2024-08-13. Review status: criteria provided, single submitter. Criteria: ACMG Guidelines, 2015. Collection method: clinical testing. Allele origin: germline. Inheritance: Autosomal dominant inheritance. Observed: 1 variant allele, 1 heterozygote.
Comment: This missense variant replaces glycine with serine at codon 690 of the RYR1 protein. Computational prediction is inconclusive regarding the impact of this variant on protein structure and function (internally defined REVEL score threshold 0.5 < inconclusive < 0.7, PMID: 27666373). To our knowledge, functional studies have not been reported for this variant. This variant has not been reported in individuals affected with RYR1-related disorders in the literature. This variant has been identified in 1/250354 chromosomes in the general population by the Genome Aggregation Database (gnomAD). The available evidence is insufficient to determine the role of this variant in disease conclusively. Therefore, this variant is classified as a Variant of Uncertain Significance.

This study involves interpretation of variants in research participants for the purpose of population health screening. Participant phenotype was not available at the time of variant classification. Additional details can be found in publication PMID: 35346344, PMCID: PMC8962531